The following is an entry in ClinVar:

NM_003791.4(MBTPS1):c.2831+5G>T

Gene: MBTPS1 (membrane bound transcription factor peptidase, site 1; minus strand). Cytogenetic location: 16q23.3.
Variant type: single nucleotide variant.
Coding change: c.2831+5G>T on transcript NM_003791.4 (MANE Select); 5 bases into the intron after coding-DNA position 2831, G replaced by T.
Molecular consequence: intron variant.
Genome position (GRCh38, 1-based): chr16:84,059,297, C>A on the plus strand (G>T on the coding strand, the complement: MBTPS1 is on the minus strand). VCF-style: chr16-84059297-C-A. GRCh37 (hg19) VCF-style: chr16-84092902-C-A.
Identifiers: ClinVar variation 2582788 (VCV002582788.3), dbSNP rs377109607, ClinGen allele CA8200743.

ClinVar aggregate classification (germline): Uncertain significance. Review status: criteria provided, single submitter (1 of 4 stars). 2 submissions from 2 submitters: Uncertain significance (1). 1 of the submissions does not count toward it. Last evaluated 2020-09-24.

Conditions:
Spondyloepiphyseal dysplasia, kondo-fu type. Also called: SED WITH ELEVATED BLOOD LYSOSOMAL ENZYMES; MBTPS1-Related Spondyloepimetaphyseal Dysplasia with Elevated Lysosomal Enzymes. Identifiers: MedGen C5193071, MONDO:0032721, OMIM 618392.

Allele frequency attached by ClinVar (database versions not stated): ESP Exome Variant Server 0.00023.
gnomAD v4.1: 89 of 1,612,590 alleles (0.0055%); highest among the groups gnomAD compares: Non-Finnish European, 0.0074%; no homozygotes.

Submissions (2):

Illumina Laboratory Services, Illumina
Classification: Uncertain significance for Spondyloepiphyseal dysplasia, kondo-fu type. Last evaluated: 2020-09-24. Review status: criteria provided, single submitter. Criteria: ICSLVariantClassificationCriteria RUGD 01 April 2020. Collection method: clinical testing. Allele origin: unknown.
Comment: The MBTPS1 c.2831+5G>T variant occurs in a splice region. To our knowledge, this variant has not been reported in the peer-reviewed literature. This variant is reported at a frequency of 0.000047 in the European (non-Finnish) population of the Genome Aggregation Database (version 2.1.1). Based on the limited evidence available, the c.2831+5G>T variant is classified as of uncertain significance for spondyloepiphyseal dysplasia, Kondo-Fu type.

Undiagnosed Rare Disease Clinic, Indiana University School of Medicine
Classification: Likely pathogenic for Spondyloepiphyseal dysplasia, kondo-fu type. Last evaluated: 2023-10-06. Review status: no assertion criteria provided. Collection method: research. Allele origin: paternal. Inheritance: Autosomal recessive inheritance. Affected: yes. Observed: 1 compound heterozygote. Not counted in ClinVar's aggregate classification.